The following is an entry in ClinVar:

ClinVar aggregate classification (germline): Uncertain significance (1 of 4 stars; one submission).

Conditions:
Inborn genetic diseases. Identifiers: MedGen C0950123, MeSH D030342.
Ocular cystinosis. Also called: Non-Nephropathic Cystinosis; Non-Nephropathic (Ocular) Cystinosis. Identifiers: Orphanet 213, Orphanet 411641, MedGen C2931013, MONDO:0009064, OMIM 219750.
Juvenile nephropathic cystinosis. Also called: Intermediate Cystinosis; CYSTINOSIS, LATE-ONSET JUVENILE OR ADOLESCENT NEPHROPATHIC TYPE; Later-Onset (Juvenile) Cystinosis. Identifiers: Orphanet 213, Orphanet 411634, MedGen C0268626, MONDO:0009066, OMIM 219900.

Submission:

Labcorp Genetics (formerly Invitae), Labcorp
Classification: Uncertain significance for Inborn genetic diseases; Ocular cystinosis; Juvenile nephropathic cystinosis. Last evaluated: 2022-03-22. Review status: criteria provided, single submitter. Criteria: Invitae Variant Classification Sherloc (09022015). Collection method: clinical testing. Allele origin: germline.
Comment: In summary, the available evidence is currently insufficient to determine the role of this variant in disease. Therefore, it has been classified as a Variant of Uncertain Significance. Algorithms developed to predict the effect of sequence changes on RNA splicing suggest that this variant may disrupt the consensus splice site. Advanced modeling of protein sequence and biophysical properties (such as structural, functional, and spatial information, amino acid conservation, physicochemical variation, residue mobility, and thermodynamic stability) performed at Invitae indicates that this missense variant is not expected to disrupt CTNS protein function. This variant has not been reported in the literature in individuals affected with CTNS-related conditions. This variant is not present in population databases (gnomAD no frequency). This sequence change replaces serine, which is neutral and polar, with asparagine, which is neutral and polar, at codon 120 of the CTNS protein (p.Ser120Asn).

NM_004937.3(CTNS):c.359G>A (p.Ser120Asn)

Genes: CTNS (cystinosin, lysosomal cystine transporter; plus strand), CTNS-AS1 (CTNS antisense RNA 1; minus strand). Cytogenetic location: 17p13.2.
Variant type: single nucleotide variant.
Coding change: c.359G>A on transcript NM_004937.3 (MANE Select); coding-DNA position 359, G replaced by A.
Protein change: p.Ser120Asn; replaces serine 120 with asparagine.
Molecular consequence: missense variant. On other transcripts: 5 prime UTR variant (4).
Genome position (GRCh38, 1-based): chr17:3,655,250, G>A. VCF-style: chr17-3655250-G-A. GRCh37 (hg19) VCF-style: chr17-3558544-G-A.
Other names: c.359G>A, p.Ser120Asn (NM_001031681.3, NM_001374492.1); c.-83G>A (NM_001374493.1, NM_001374494.1, NM_001374495.1 and 1 more transcripts); short protein forms S120N.
Identifiers: ClinVar variation 1388528 (VCV001388528.8), dbSNP rs2076099606, ClinGen allele CA397690603.